The following is an entry in ClinVar:

NM_000186.4(CFH):c.3291G>A (p.Thr1097=)

Gene: CFH (complement factor H; plus strand). Cytogenetic location: 1q31.3.
Variant type: single nucleotide variant.
Coding change: c.3291G>A on transcript NM_000186.4 (MANE Select); coding-DNA position 3291, G replaced by A.
Protein change: p.Thr1097=; no amino-acid change (threonine 1097 retained).
Molecular consequence: synonymous variant.
Genome position (GRCh38, 1-based): chr1:196,743,609, G>A. VCF-style: chr1-196743609-G-A. GRCh37 (hg19) VCF-style: chr1-196712739-G-A.
Identifiers: ClinVar variation 874522 (VCV000874522.6), dbSNP rs409953, ClinGen allele CA1305897.
Genomic context (GRCh38, chr1:196,743,609, plus strand): 5'-TAGGAGCCCTTATGAAATGTTTGGGGATGAAGAAGTGATGTGTTTAAATGGAAACTGGAC[G>A]GAACCACCTCAATGCAAAGGTAGAGTATTATATTTCTTTTAACATTTTGGGGGAGTATAG-3'
Protein context (NP_000177.2, residues 1087-1107): EEVMCLNGNW[Thr1097=]EPPQCKDSTG

ClinVar aggregate classification (germline): Conflicting classifications of pathogenicity. Review status: criteria provided, conflicting classifications (1 of 4 stars). 6 submissions from 3 submitters: Uncertain significance (4); Likely benign (2). Last evaluated 2025-10-02.

Conditions:
Age related macular degeneration 4. Identifiers: MedGen C1853147, MONDO:0012540, OMIM 610698.
CFH-Related Dense Deposit Disease / Membranoproliferative Glomerulonephritis Type II. Identifiers: MedGen CN071292.
Basal laminar drusen. Also called: DRUSEN OF BRUCH MEMBRANE; DRUSEN, CUTICULAR; DRUSEN, EARLY ADULT-ONSET, GROUPED. Identifiers: Orphanet 75376, MedGen C0730295, MONDO:0007472, OMIM 126700.
Hemolytic uremic syndrome, atypical, susceptibility to, 1. Also called: AHUS, SUSCEPTIBILITY TO, 1. Identifiers: Orphanet 2134, Orphanet 90038, MedGen C2749604, MONDO:0009335, OMIM 235400. Disease mechanism: Other.
Factor H deficiency (CFHD). Also called: COMPLEMENT FACTOR H DEFICIENCY; CFH DEFICIENCY. Identifiers: Orphanet 200421, MedGen C0398777, MONDO:0012350, OMIM 609814.
Atypical hemolytic-uremic syndrome. Identifiers: Orphanet 2134, MedGen C2931788, MONDO:0016244.

Allele frequency attached by ClinVar (database versions not stated): gnomAD 0.00020 and 0.00023.
gnomAD v4.1: 152 of 1,613,674 alleles (0.0094%); highest among the groups gnomAD compares: East Asian, 0.011%; no homozygotes.

Submissions (6):

Genomenon, Inc
Classification: Likely benign for Basal laminar drusen; Age related macular degeneration 4; Atypical hemolytic-uremic syndrome; Factor H deficiency. Last evaluated: 2025-10-02. Review status: criteria provided, single submitter. Criteria: Genomenon Sequence Variant Interpretation Standards - Updated. Collection method: curation. Allele origin: germline. Affected: no.
Comment: CFH p.Thr1097= (c.3291G>A) is a synonymous variant that retains Threonine at residue 1097. This variant has been reported in the published literature (PMID:21868097;25188723). This synonymous variant is not predicted to impact splicing. It is absent or not present at a significant frequency in gnomAD. In conclusion, we classify CFH p.Thr1097= (c.3291G>A) as a likely benign variant.

Blueprint Genetics
Classification: Likely benign. Last evaluated: 2024-10-24. Review status: criteria provided, single submitter. Criteria: ACMG Guidelines, 2015. Collection method: clinical testing. Allele origin: germline.

Illumina Laboratory Services, Illumina
Classification: Uncertain significance for Age related macular degeneration 4. Last evaluated: 2017-04-27. Review status: criteria provided, single submitter. Criteria: ICSL Variant Classification Criteria 13 December 2019. Collection method: clinical testing. Allele origin: germline.
Comment: This variant was observed as part of a predisposition screen in an ostensibly healthy population. A literature search was performed for the gene, cDNA change, and amino acid change (where applicable). Publications were found based on this search. However, the evidence from the literature, in combination with allele frequency data from public databases where available, was not sufficient to rule this variant in or out of causing disease. Therefore, this variant is classified as a variant of unknown significance.

Illumina Laboratory Services, Illumina
Classification: Uncertain significance for Hemolytic uremic syndrome, atypical, susceptibility to, 1. Last evaluated: 2017-04-27. Review status: criteria provided, single submitter. Criteria: ICSL Variant Classification Criteria 13 December 2019. Collection method: clinical testing. Allele origin: germline.

Illumina Laboratory Services, Illumina
Classification: Uncertain significance for Basal laminar drusen. Last evaluated: 2017-04-27. Review status: criteria provided, single submitter. Criteria: ICSL Variant Classification Criteria 13 December 2019. Collection method: clinical testing. Allele origin: germline.
Comment: the same text as in the submission from Illumina Laboratory Services, Illumina above.

Illumina Laboratory Services, Illumina
Classification: Uncertain significance for Membranoproliferative glomerulonephritis with complement factor h deficiency. Last evaluated: 2017-04-27. Review status: criteria provided, single submitter. Criteria: ICSL Variant Classification Criteria 13 December 2019. Collection method: clinical testing. Allele origin: germline.
Comment: the same text as in the submission from Illumina Laboratory Services, Illumina above.

Literature cited by the submitters: PubMed 21868097 (cited by Genomenon, Inc); PubMed 25188723 (cited by Genomenon, Inc); PubMed 22389686 (cited by Illumina Laboratory Services, Illumina).